The following is an entry in ClinVar:

ClinVar aggregate classification (germline): Likely benign. Review status: criteria provided, multiple submitters, no conflicts (2 of 4 stars). 3 submissions from 3 submitters: Likely benign (2). 1 of the submissions does not count toward it. Last evaluated 2025-02-16.

Conditions:
Immunodeficiency, common variable, 10. Also called: IMMUNODEFICIENCY, COMMON VARIABLE, WITH CENTRAL ADRENAL INSUFFICIENCY; DEFICIT IN ANTERIOR PITUITARY FUNCTION AND VARIABLE IMMUNODEFICIENCY. Identifiers: MedGen C3809991, MONDO:0014260, OMIM 615577.
NFKB2-related disorder. Also called: NFKB2-related condition.

Allele frequency attached by ClinVar (database versions not stated): gnomAD 0.00001; TOPMed 0.00001; 1000 Genomes Project 30x 0.00016; 1000 Genomes Project 0.00020.
gnomAD v4.1: 22 of 1,531,384 alleles (0.0014%); highest among the groups gnomAD compares: Middle Eastern, 0.095%; no homozygotes.

Submissions (3):

Labcorp Genetics (formerly Invitae), Labcorp
Classification: Likely benign for Immunodeficiency, common variable, 10. Last evaluated: 2025-02-16. Review status: criteria provided, single submitter. Criteria: Invitae Variant Classification Sherloc (09022015). Collection method: clinical testing. Allele origin: germline.

Breakthrough Genomics
Classification: Likely benign. Review status: criteria provided, single submitter. Criteria: ACMG Guidelines, 2015. Collection method: not provided. Allele origin: germline. Inheritance: Autosomal dominant inheritance. Affected: yes.

PreventionGenetics, part of Exact Sciences
Classification: Likely benign for NFKB2-related condition. Last evaluated: 2022-01-03. Review status: no assertion criteria provided. Collection method: clinical testing. Allele origin: germline. Not counted in ClinVar's aggregate classification.
Comment: This variant is classified as likely benign based on ACMG/AMP sequence variant interpretation guidelines (Richards et al. 2015 PMID: 25741868, with internal and published modifications).

NM_001322934.2(NFKB2):c.1242G>A (p.Arg414=)

Genes: NFKB2 (nuclear factor kappa B subunit 2; plus strand), LOC130004599 (ATAC-STARR-seq lymphoblastoid silent region 2756; plus strand). Cytogenetic location: 10q24.32.
Variant type: single nucleotide variant.
Coding change: c.1242G>A on transcript NM_001322934.2 (MANE Select); coding-DNA position 1242, G replaced by A.
Protein change: p.Arg414=; no amino-acid change (arginine 414 retained).
Molecular consequence: synonymous variant.
Genome position (GRCh38, 1-based): chr10:102,399,412, G>A. VCF-style: chr10-102399412-G-A. GRCh37 (hg19) VCF-style: chr10-104159169-G-A.
Other names: c.1242G>A, p.Arg414= (NM_001077494.3, NM_001261403.3, NM_001288724.1 and 1 more transcripts); c.1116G>A, p.Arg372= (NM_001322935.1).
Identifiers: ClinVar variation 1575792 (VCV001575792.11), dbSNP rs555513845, ClinGen allele CA212215767.